The following is an entry in ClinVar:

NM_000284.4(PDHA1):c.217C>T (p.Arg73Ter)

Gene: PDHA1 (pyruvate dehydrogenase E1 subunit alpha 1; plus strand). Cytogenetic location: Xp22.12.
Variant type: single nucleotide variant.
Coding change: c.217C>T on transcript NM_000284.4 (MANE Select); coding-DNA position 217, C replaced by T.
Protein change: p.Arg73Ter; replaces arginine 73 with a stop codon.
Molecular consequence: nonsense.
Genome position (GRCh38, 1-based): chrX:19,350,036, C>T. VCF-style: chrX-19350036-C-T. GRCh37 (hg19) VCF-style: chrX-19368154-C-T.
Other names: c.331C>T, p.Arg111Ter (NM_001173454.2); c.217C>T, p.Arg73Ter (NM_001173455.2, NM_001173456.2); short protein forms R111*, R73*.
Identifiers: ClinVar variation 3342396 (VCV003342396.2).

ClinVar aggregate classification (germline): Pathogenic (1 of 4 stars; one submission).

Submission:

GeneDx
Classification: Pathogenic. Last evaluated: 2025-08-21. Review status: criteria provided, single submitter. Criteria: GeneDx Variant Classification Process June 2021. Collection method: clinical testing. Allele origin: germline.
Comment: Nonsense variant predicted to result in protein truncation or nonsense mediated decay in a gene for which loss-of-function is a known mechanism of disease; Not observed at significant frequency in large population cohorts (gnomAD); This variant is associated with the following publications: (PMID: 37688338)